The following is an entry in ClinVar:

NM_006440.5(TXNRD2):c.205G>T (p.Asp69Tyr)

Gene: TXNRD2 (thioredoxin reductase 2; minus strand). Cytogenetic location: 22q11.21.
Variant type: single nucleotide variant.
Coding change: c.205G>T on transcript NM_006440.5 (MANE Select); coding-DNA position 205, G replaced by T.
Protein change: p.Asp69Tyr; replaces aspartic acid 69 with tyrosine.
Molecular consequence: missense variant. On other transcripts: 5 prime UTR variant (1).
Genome position (GRCh38, 1-based): chr22:19,919,567, C>A on the plus strand (G>T on the coding strand, the complement: TXNRD2 is on the minus strand). VCF-style: chr22-19919567-C-A. GRCh37 (hg19) VCF-style: chr22-19907090-C-A.
Other names: c.205G>T, p.Asp69Tyr (NM_001282512.3); c.202G>T, p.Asp68Tyr (NM_001352300.2); c.115G>T, p.Asp39Tyr (NM_001352301.2); c.-84G>T (NM_001352302.2); c.109G>T, p.Asp37Tyr (NM_001352303.2); short protein forms D68Y, D39Y, D69Y, D37Y.
Identifiers: ClinVar variation 1036778 (VCV001036778.7), dbSNP rs768403549, ClinGen allele CA10104301.

ClinVar aggregate classification (germline): Uncertain significance (1 of 4 stars; one submission).

Conditions:
Primary dilated cardiomyopathy (DCM). Also called: Dilated Cardiomyopathy. Identifiers: Orphanet 217604, MedGen C0007193, MeSH D002311, MONDO:0005021, HP:0001644. Inheritance: Various modes of inheritance.

Allele frequency attached by ClinVar (database versions not stated): ExAC below 0.00001; gnomAD exomes below 0.00001; gnomAD 0.00001.
gnomAD v4.1: 2 of 1,563,466 alleles (0.00013%); highest among the groups gnomAD compares: Admixed American, 0.0019%; no homozygotes.

Submission:

Labcorp Genetics (formerly Invitae), Labcorp
Classification: Uncertain significance for Primary dilated cardiomyopathy. Last evaluated: 2024-02-26. Review status: criteria provided, single submitter. Criteria: Invitae Variant Classification Sherloc (09022015). Collection method: clinical testing. Allele origin: germline.
Comment: This sequence change replaces aspartic acid, which is acidic and polar, with tyrosine, which is neutral and polar, at codon 69 of the TXNRD2 protein (p.Asp69Tyr). This variant is not present in population databases (gnomAD no frequency). This variant has not been reported in the literature in individuals affected with TXNRD2-related conditions. ClinVar contains an entry for this variant (Variation ID: 1036778). Advanced modeling of protein sequence and biophysical properties (such as structural, functional, and spatial information, amino acid conservation, physicochemical variation, residue mobility, and thermodynamic stability) performed at Invitae indicates that this missense variant is expected to disrupt TXNRD2 protein function with a positive predictive value of 80%. In summary, the available evidence is currently insufficient to determine the role of this variant in disease. Therefore, it has been classified as a Variant of Uncertain Significance.